The following is an entry in ClinVar:

NM_000094.4(COL7A1):c.5969dup (p.Gly1991fs)

Gene: COL7A1 (collagen type VII alpha 1 chain; minus strand). Cytogenetic location: 3p21.31.
Variant type: Duplication.
Coding change: c.5969dup on transcript NM_000094.4 (MANE Select); coding-DNA position 5969, one base duplicated (C; older notation c.5969dupC).
Protein change: p.Gly1991fs; shifts the reading frame from glycine 1991.
Molecular consequence: frameshift variant.
Genome position (GRCh38, 1-based): chr3:48,575,636, G duplicated on the plus strand (C on the coding strand, the reverse complement: COL7A1 is on the minus strand); the first of 6 consecutive G bases (chr3:48,575,636-48,575,641); duplicating any one gives the same sequence. VCF-style (leftmost placement, unchanged base first): chr3-48575635-T-TG. GRCh37 (hg19) VCF-style: chr3-48613068-T-TG.
Other names: c.5969dup (NM_000094.3); short protein forms G1991fs.
Identifiers: ClinVar variation 4065258 (VCV004065258.2).

ClinVar aggregate classification (germline): Pathogenic (1 of 4 stars; one submission).

Conditions:
Epidermolysis bullosa dystrophica. Also called: Dystrophic epidermolysis bullosa, Hallopeau-Siemens type (formerly); Dystrophic epidermolysis bullosa. Identifiers: Orphanet 303, MedGen C0079294, MONDO:0006543.

Submission:

Natera, Inc.
Classification: Pathogenic for Dystrophic epidermolysis bullosa. Last evaluated: 2025-02-05. Review status: criteria provided, single submitter. Criteria: Natera Variant Classification Schema (03/2026). Collection method: clinical testing. Allele origin: germline.
Comment: The c.5969dup variant in COL7A1 is a frameshift variant predicted to shift the reading frame beginning at codon 1991 and leads to a stop codon 108 codons downstream. This variant is expected to result in nonsense mediated decay, truncation, or a dysfunctional protein product. This variant is rare in the general population with a frequency below the threshold expected for the associated phenotype(s). This variant has been observed in one or more individuals affected with the associated recessive disease, as either homozygous or compound heterozygous with a second variant (PMID: 10504458, 39141798). Given the available evidence, this variant is classified as Pathogenic.

Literature cited by the submitters: PubMed 10504458; PubMed 39141798.